The following is an entry in ClinVar:

ClinVar aggregate classification (germline): Pathogenic (1 of 4 stars; one submission).

Conditions:
Mucolipidosis type IV (ML4). Also called: ML IV. Identifiers: Orphanet 578, MedGen C0238286, MONDO:0009653, OMIM 252650.

Submission:

Labcorp Genetics (formerly Invitae), Labcorp
Classification: Pathogenic for Mucolipidosis type IV. Last evaluated: 2019-12-28. Review status: criteria provided, single submitter. Criteria: Invitae Variant Classification Sherloc (09022015). Collection method: clinical testing. Allele origin: unknown.
Comment: Loss-of-function variants in MCOLN1 are known to be pathogenic (PMID: 11030752, 11317355). This variant has been observed in individuals with mucolipidosis type IV and has been found to be a common cause of this condition in the Ashkenazi Jewish population (PMID: 21228398, 11030752). This variant is also known as del6433bp and g.511_6943del in the literature. This variant is a deletion of the genomic region encompassing exons 1-6 and part of exon 7 (c.-1012_791del) of the MCOLN1 gene. It is expected to disrupt RNA splicing and likely results in an absent or disrupted protein product. For these reasons, this variant has been classified as Pathogenic.

Literature cited by the submitters: PubMed 11030752; PubMed 11317355; PubMed 21228398.

NC_000019.9:g.(?_7586622)_(7593056_?)del

Gene: MCOLN1 (mucolipin TRP cation channel 1; plus strand). Cytogenetic location: 19p13.2.
Variant type: Deletion.
Identifiers: ClinVar variation 3248426 (VCV003248426.1).